The following is an entry in ClinVar:

ClinVar aggregate classification (germline): Pathogenic (1 of 4 stars; one submission).

Conditions:
Familial infantile myasthenia (CMS6). Also called: MYASTHENIC SYNDROME, PRESYNAPTIC, CONGENITAL, ASSOCIATED WITH EPISODIC APNEA; MYASTHENIC SYNDROME, CONGENITAL, 6, PRESYNAPTIC; Congenital myasthenic syndrome type 6. Identifiers: Orphanet 590, MedGen C0393929, MONDO:0009689, OMIM 254210.

Submission:

Labcorp Genetics (formerly Invitae), Labcorp
Classification: Pathogenic for Familial infantile myasthenia. Last evaluated: 2023-09-12. Review status: criteria provided, single submitter. Criteria: Invitae Variant Classification Sherloc (09022015). Collection method: clinical testing. Allele origin: unknown.
Comment: For these reasons, this variant has been classified as Pathogenic. This variant disrupts a region of the CHAT protein in which other variant(s) (p.Ser694Cys) have been determined to be pathogenic (PMID: 26080897, 29189923). This suggests that this is a clinically significant region of the protein, and that variants that disrupt it are likely to be disease-causing. This variant has not been reported in the literature in individuals affected with CHAT-related conditions. This variant is a gross deletion of the genomic region encompassing exon(s) 15 of the CHAT gene, which includes the termination codon. This deletion extends beyond the assayed region for this gene and therefore may encompass additional genes. While this deletion is not anticipated to lead to nonsense mediated decay, it is expected to alter mRNA translation or result in a truncated protein product.

Literature cited by the submitters: PubMed 26080897; PubMed 29189923.

NC_000010.10:g.(?_50872803)_(50873092_?)del

Gene: CHAT (choline O-acetyltransferase; plus strand). Cytogenetic location: 10q11.23.
Variant type: Deletion.
Identifiers: ClinVar variation 3244827 (VCV003244827.1).